The following is an entry in ClinVar:

ClinVar aggregate classification (germline): Benign/Likely benign. Review status: criteria provided, multiple submitters, no conflicts (2 of 4 stars). 3 submissions from 3 submitters: Benign (1); Likely benign (2). Last evaluated 2024-12-20.

Conditions:
Lynch syndrome 5 (LYNCH5). Also called: Colorectal cancer, hereditary nonpolyposis, type 5; Hereditary non-polyposis colorectal cancer, type 5. Identifiers: Orphanet 144, MedGen C1833477, MONDO:0013710, OMIM 614350. Disease mechanism: loss of function.
Hereditary nonpolyposis colorectal neoplasms. Identifiers: MedGen C0009405, MeSH D003123.
Hereditary cancer-predisposing syndrome. Also called: Neoplastic Syndromes, Hereditary; Tumor predisposition; Hereditary Cancer Syndrome; Hereditary neoplastic syndrome. Identifiers: Orphanet 140162, MedGen C0027672, MeSH D009386, MONDO:0015356.

Submissions (3):

Myriad Genetics, Inc.
Classification: Benign for Lynch syndrome 5. Last evaluated: 2024-12-20. Review status: criteria provided, single submitter. Criteria: Myriad Autosomal Dominant, Autosomal Recessive and X-Linked Classification Criteria (2023). Collection method: clinical testing. Allele origin: unknown.
Comment: This variant is considered benign. This variant is a silent/synonymous amino acid change and it is not expected to impact splicing.

Labcorp Genetics (formerly Invitae), Labcorp
Classification: Likely benign for Hereditary nonpolyposis colorectal neoplasms. Last evaluated: 2024-10-22. Review status: criteria provided, single submitter. Criteria: Invitae Variant Classification Sherloc (09022015). Collection method: clinical testing. Allele origin: germline.

Color Diagnostics, LLC DBA Color Health
Classification: Likely benign for Hereditary cancer-predisposing syndrome. Last evaluated: 2018-12-03. Review status: criteria provided, single submitter. Criteria: ACMG Guidelines, 2015. Collection method: clinical testing. Allele origin: germline.

NM_000179.3(MSH6):c.912G>T (p.Val304=)

Gene: MSH6 (mutS homolog 6; plus strand). Cytogenetic location: 2p16.3.
Variant type: single nucleotide variant.
Coding change: c.912G>T on transcript NM_000179.3 (MANE Select); coding-DNA position 912, G replaced by T.
Protein change: p.Val304=; no amino-acid change (valine 304 retained).
Molecular consequence: synonymous variant.
Genome position (GRCh38, 1-based): chr2:47,798,895, G>T. VCF-style: chr2-47798895-G-T. GRCh37 (hg19) VCF-style: chr2-48026034-G-T.
Other names: c.522G>T, p.Val174= (NM_001281492.2); c.6G>T, p.Val2= (NM_001281493.2, NM_001281494.2).
Identifiers: ClinVar variation 918993 (VCV000918993.5), dbSNP rs1182172629, ClinGen allele CA426121010.
Genomic context (GRCh38, chr2:47,798,895, plus strand): 5'-TAGTGAGAGTGAAGGCCTGAACAGCCCTGTCAAAGTTGCTCGAAAGCGGAAGAGAATGGT[G>T]ACTGGAAATGGCTCTCTTAAAAGGAAAAGCTCTAGGAAGGAAACGCCCTCAGCCACCAAA-3'
Protein context (NP_000170.1, residues 294-314): VKVARKRKRM[Val304=]TGNGSLKRKS